The following is an entry in ClinVar:

NM_001128205.2(SULF1):c.1508A>G (p.Glu503Gly)

Gene: SULF1 (sulfatase 1; plus strand). Cytogenetic location: 8q13.3.
Variant type: single nucleotide variant.
Coding change: c.1508A>G on transcript NM_001128205.2 (MANE Select); coding-DNA position 1508, A replaced by G.
Protein change: p.Glu503Gly; replaces glutamic acid 503 with glycine.
Molecular consequence: missense variant. On other transcripts: non-coding transcript variant (3).
Genome position (GRCh38, 1-based): chr8:69,621,165, A>G. VCF-style: chr8-69621165-A-G. GRCh37 (hg19) VCF-style: chr8-70533400-A-G.
Other names: c.1508A>G, p.Glu503Gly (NM_001128204.2, NM_001128206.2, NM_015170.3); short protein forms E503G.
Identifiers: ClinVar variation 1368751 (VCV001368751.8), dbSNP rs1468506308, ClinGen allele CA371229289.

ClinVar aggregate classification (germline): Uncertain significance (1 of 4 stars; one submission).

Allele frequency attached by ClinVar (database versions not stated): gnomAD exomes below 0.00001; TOPMed below 0.00001; gnomAD 0.00001.
gnomAD v4.1: 5 of 1,614,076 alleles (0.00031%); highest among the groups gnomAD compares: Non-Finnish European, 0.00042%; no homozygotes.

Submission:

Labcorp Genetics (formerly Invitae), Labcorp
Classification: Uncertain significance. Last evaluated: 2022-02-05. Review status: criteria provided, single submitter. Criteria: Invitae Variant Classification Sherloc (09022015). Collection method: clinical testing. Allele origin: germline.
Comment: In summary, the available evidence is currently insufficient to determine the role of this variant in disease. Therefore, it has been classified as a Variant of Uncertain Significance. Algorithms developed to predict the effect of missense changes on protein structure and function (SIFT, PolyPhen-2, Align-GVGD) all suggest that this variant is likely to be tolerated. This variant has not been reported in the literature in individuals affected with SULF1-related conditions. This variant is present in population databases (no rsID available, gnomAD 0.002%). This sequence change replaces glutamic acid, which is acidic and polar, with glycine, which is neutral and non-polar, at codon 503 of the SULF1 protein (p.Glu503Gly).